The following is an entry in ClinVar:

ClinVar aggregate classification (germline): Likely benign. Review status: criteria provided, multiple submitters, no conflicts (2 of 4 stars). 2 submissions from 2 submitters: Likely benign (2). Last evaluated 2025-01-22.

Conditions:
TIAM1-related disorder. Also called: TIAM1-related condition.

Allele frequency attached by ClinVar (database versions not stated): gnomAD 0.00001; gnomAD exomes 0.00002; TOPMed 0.00002; ExAC 0.00003.
gnomAD v4.1: 35 of 1,613,926 alleles (0.0022%); highest among the groups gnomAD compares: Middle Eastern, 0.13%; no homozygotes.

Submissions (2):

PreventionGenetics, part of Exact Sciences
Classification: Likely benign for TIAM1-related condition. Last evaluated: 2025-01-22. Review status: criteria provided, single submitter. Criteria: ACMG Guidelines, 2015. Collection method: clinical testing. Allele origin: germline.
Comment: This variant is classified as likely benign based on ACMG/AMP sequence variant interpretation guidelines (Richards et al. 2015 PMID: 25741868, with internal and published modifications).

CeGaT Center for Human Genetics Tuebingen
Classification: Likely benign. Last evaluated: 2023-06-01. Review status: criteria provided, single submitter. Criteria: CeGaT Center For Human Genetics Tuebingen Variant Classification Criteria Version 2. Collection method: clinical testing. Allele origin: germline. Affected: yes. Observed: 1 variant allele.
Comment: TIAM1: BP4

NM_001353694.2(TIAM1):c.3387G>A (p.Gly1129=)

Gene: TIAM1 (TIAM Rac1 associated GEF 1; minus strand). Cytogenetic location: 21q22.11.
Variant type: single nucleotide variant.
Coding change: c.3387G>A on transcript NM_001353694.2 (MANE Select); coding-DNA position 3387, G replaced by A.
Protein change: p.Gly1129=; no amino-acid change (glycine 1129 retained).
Molecular consequence: synonymous variant.
Genome position (GRCh38, 1-based): chr21:31,146,983, C>T on the plus strand (G>A on the coding strand, the complement: TIAM1 is on the minus strand). VCF-style: chr21-31146983-C-T. GRCh37 (hg19) VCF-style: chr21-32519301-C-T.
Other names: c.3387G>A, p.Gly1129= (NM_001353692.1, NM_001353693.1, NM_003253.3 and 4 more transcripts); c.486G>A, p.Gly162= (NM_001353684.2); c.411G>A, p.Gly137= (NM_001353685.2); c.3312G>A, p.Gly1104= (NM_001353686.2, NM_001353687.2); c.3387G>A (NM_003253.2).
Identifiers: ClinVar variation 2652583 (VCV002652583.25), dbSNP rs769872878, ClinGen allele CA9997821.